The following is an entry in ClinVar:

NM_001360.3(DHCR7):c.353G>A (p.Cys118Tyr)

Gene: DHCR7 (7-dehydrocholesterol reductase; minus strand). Cytogenetic location: 11q13.4.
Variant type: single nucleotide variant.
Coding change: c.353G>A on transcript NM_001360.3 (MANE Select); coding-DNA position 353, G replaced by A.
Protein change: p.Cys118Tyr; replaces cysteine 118 with tyrosine.
Molecular consequence: missense variant.
Genome position (GRCh38, 1-based): chr11:71,442,322, C>T on the plus strand (G>A on the coding strand, the complement: DHCR7 is on the minus strand). VCF-style: chr11-71442322-C-T. GRCh37 (hg19) VCF-style: chr11-71153368-C-T.
Other names: c.353G>A, p.Cys118Tyr (NM_001163817.2); short protein forms C118Y.
Identifiers: ClinVar variation 2152923 (VCV002152923.4), dbSNP rs2539231875, ClinGen allele CA381695056.

ClinVar aggregate classification (germline): Uncertain significance (1 of 4 stars; one submission).

Conditions:
Smith-Lemli-Opitz syndrome (SLOS). Also called: POLYDACTYLY, SEX REVERSAL, RENAL HYPOPLASIA, AND UNILOBAR LUNG; RSH SYNDROME; RUTLEDGE LETHAL MULTIPLE CONGENITAL ANOMALY SYNDROME; LETHAL ACRODYSGENITAL SYNDROME; 7-Dehydrocholesterol reductase deficiency. Identifiers: Orphanet 818, MedGen C0175694, MONDO:0010035, OMIM 270400.

Submission:

Labcorp Genetics (formerly Invitae), Labcorp
Classification: Uncertain significance for Smith-Lemli-Opitz syndrome. Last evaluated: 2025-06-12. Review status: criteria provided, single submitter. Criteria: Invitae Variant Classification Sherloc (09022015). Collection method: clinical testing. Allele origin: germline.
Comment: This sequence change replaces cysteine, which is neutral and slightly polar, with tyrosine, which is neutral and polar, at codon 118 of the DHCR7 protein (p.Cys118Tyr). This variant is not present in population databases (gnomAD no frequency). This missense change has been observed in individual(s) with Smith-Lemli-Opitz syndrome (PMID: 33890232). ClinVar contains an entry for this variant (Variation ID: 2152923). Invitae Evidence Modeling of protein sequence and biophysical properties (such as structural, functional, and spatial information, amino acid conservation, physicochemical variation, residue mobility, and thermodynamic stability) has been performed for this missense variant. However, the output from this modeling did not meet the statistical confidence thresholds required to predict the impact of this variant on DHCR7 protein function. In summary, the available evidence is currently insufficient to determine the role of this variant in disease. Therefore, it has been classified as a Variant of Uncertain Significance.

Literature cited by the submitters: PubMed 33890232.